The following is an entry in ClinVar:

ClinVar aggregate classification (germline): Likely benign (1 of 4 stars; one submission).

gnomAD v4.1: 126 of 379,740 alleles (0.033%); highest among the groups gnomAD compares: Admixed American, 0.021%; no homozygotes.

Submission:

Dasa
Classification: Likely benign. Last evaluated: 2026-03-24. Review status: criteria provided, single submitter. Criteria: DASA Assertion Criteria. Collection method: clinical testing. Allele origin: germline.
Comment: NM_001353229.2(FLCN):c.397-10C>T is a splice-region variant. Population frequency is inconsistent with a disease-causing role for this variant. Computational prediction algorithms are consistent with a benign effect. Therefore, based on the currently available evidence, this variant is classified as likely benign.

NM_144997.7(FLCN):c.397-378C>T

Gene: FLCN (folliculin; minus strand). Cytogenetic location: 17p11.2.
Variant type: single nucleotide variant.
Coding change: c.397-378C>T on transcript NM_144997.7 (MANE Select); 378 bases into the intron before coding-DNA position 397, C replaced by T.
Molecular consequence: intron variant.
Genome position (GRCh38, 1-based): chr17:17,224,521, G>A on the plus strand (C>T on the coding strand, the complement: FLCN is on the minus strand). VCF-style: chr17-17224521-G-A. GRCh37 (hg19) VCF-style: chr17-17127835-G-A.
Other names: c.397-378C>T (NM_001353231.2, NM_001353230.2, NM_144606.7); c.397-10C>T (NM_001353229.2).
Identifiers: ClinVar variation 4856924 (VCV004856924.2).